The following is an entry in ClinVar:

ClinVar aggregate classification (germline): Uncertain significance (1 of 4 stars; one submission).

Conditions:
Dyskeratosis congenita, autosomal recessive 6 (DKCB6). Identifiers: MedGen C4225356, MONDO:0014600, OMIM 616353.
Pulmonary fibrosis and/or bone marrow failure, Telomere-related, 4. Also called: PULMONARY FIBROSIS AND/OR BONE MARROW FAILURE SYNDROME, TELOMERE-RELATED, 4. Identifiers: Orphanet 2032, MedGen C4225347, MONDO:0014612, OMIM 616371.

Allele frequency attached by ClinVar (database versions not stated): gnomAD 0.00001.
gnomAD v4.1: 2 of 1,613,784 alleles (0.00012%); highest among the groups gnomAD compares: African/African-American, 0.0013%; no homozygotes.

Submission:

Labcorp Genetics (formerly Invitae), Labcorp
Classification: Uncertain significance for Dyskeratosis congenita, autosomal recessive 6; Pulmonary fibrosis and/or bone marrow failure, Telomere-related, 4. Last evaluated: 2025-12-17. Review status: criteria provided, single submitter. Criteria: Invitae Variant Classification Sherloc (09022015). Collection method: clinical testing. Allele origin: germline.
Comment: This sequence change replaces methionine, which is neutral and non-polar, with valine, which is neutral and non-polar, at codon 513 of the PARN protein (p.Met513Val). This variant is not present in population databases (gnomAD no frequency). This variant has not been reported in the literature in individuals affected with PARN-related conditions. ClinVar contains an entry for this variant (Variation ID: 1980835). Invitae Evidence Modeling of protein sequence and biophysical properties (such as structural, functional, and spatial information, amino acid conservation, physicochemical variation, residue mobility, and thermodynamic stability) indicates that this missense variant is not expected to disrupt PARN protein function with a negative predictive value of 80%. In summary, the available evidence is currently insufficient to determine the role of this variant in disease. Therefore, it has been classified as a Variant of Uncertain Significance.

NM_002582.4(PARN):c.1537A>G (p.Met513Val)

Gene: PARN (poly(A)-specific ribonuclease; minus strand). Cytogenetic location: 16p13.12.
Variant type: single nucleotide variant.
Coding change: c.1537A>G on transcript NM_002582.4 (MANE Select); coding-DNA position 1537, A replaced by G.
Protein change: p.Met513Val; replaces methionine 513 with valine.
Molecular consequence: missense variant.
Genome position (GRCh38, 1-based): chr16:14,482,771, T>C on the plus strand (A>G on the coding strand, the complement: PARN is on the minus strand). VCF-style: chr16-14482771-T-C. GRCh37 (hg19) VCF-style: chr16-14576628-T-C.
Other names: c.1354A>G, p.Met452Val (NM_001134477.3); c.1399A>G, p.Met467Val (NM_001242992.2); short protein forms M513V, M452V, M467V.
Identifiers: ClinVar variation 1980835 (VCV001980835.4), dbSNP rs1963452428, ClinGen allele CA395183606.
Genomic context (GRCh38, chr16:14,482,771, plus strand): 5'-CCTTCCAGCTATCTTCAGTCCACTTTCTTTTGATCTGCTTCTCTTCCTGTTTTCTCCCCA[T>C]ATATTCAGCATAGGTTTGGATCCGATAGCTTTCTGCATATTTGCTGGTATTGACAGCTAC-3'
Protein context (NP_002573.1, residues 503-523): SYRIQTYAEY[Met513Val]GRKQEEKQIK